The following is an entry in ClinVar:

ClinVar aggregate classification (germline): Uncertain significance (1 of 4 stars; one submission).

Conditions:
TRRAP-related disorder. Also called: TRRAP-related condition.

gnomAD v4.1: 1 of 1,614,136 alleles (0.000062%); highest among the groups gnomAD compares: South Asian, 0.0011%; no homozygotes.

Submission:

PreventionGenetics, part of Exact Sciences
Classification: Uncertain significance for TRRAP-related condition. Last evaluated: 2025-07-11. Review status: criteria provided, single submitter. Criteria: ACMG Guidelines, 2015. Collection method: clinical testing. Allele origin: germline.
Comment: The TRRAP c.6800A>G variant is predicted to result in the amino acid substitution p.Tyr2267Cys. To our knowledge, this variant has not been reported in the literature or in a large population database (gnomAD), indicating this variant is rare. At this time, the clinical significance of this variant is uncertain due to the absence of conclusive functional and genetic evidence.

NM_001375524.1(TRRAP):c.6875A>G (p.Tyr2292Cys)

Gene: TRRAP (transformation/transcription domain associated protein; plus strand). Cytogenetic location: 7q22.1.
Variant type: single nucleotide variant.
Coding change: c.6875A>G on transcript NM_001375524.1 (MANE Select); coding-DNA position 6875, A replaced by G.
Protein change: p.Tyr2292Cys; replaces tyrosine 2292 with cysteine.
Molecular consequence: missense variant.
Genome position (GRCh38, 1-based): chr7:98,964,674, A>G. VCF-style: chr7-98964674-A-G. GRCh37 (hg19) VCF-style: chr7-98562297-A-G.
Other names: c.6854A>G, p.Tyr2285Cys (NM_001244580.2); c.6800A>G, p.Tyr2267Cys (NM_003496.4); short protein forms Y2292C, Y2285C, Y2267C.
Identifiers: ClinVar variation 4998126 (VCV004998126.1).